The following is an entry in ClinVar:

ClinVar aggregate classification (germline): Benign/Likely benign. Review status: criteria provided, multiple submitters, no conflicts (2 of 4 stars). 4 submissions from 4 submitters: Benign (2); Likely benign (2). Last evaluated 2026-02-25.

Conditions:
DNMT1-related disorder. Also called: DNMT1-related condition. Identifiers: MedGen CN381527.
Hereditary sensory neuropathy-deafness-dementia syndrome. Also called: NEUROPATHY, HEREDITARY SENSORY, WITH HEARING LOSS AND DEMENTIA; Hereditary Sensory and Autonomic Neuropathy Type 1E (HSAN1E); HSN IE; Hereditary sensory neuropathy type IE. Identifiers: Orphanet 456318, MedGen C3279885, MONDO:0013584, OMIM 614116.
Autosomal dominant cerebellar ataxia, deafness and narcolepsy. Also called: Autosomal Dominant Cerebellar Ataxia, Deafness, and Narcolepsy (ADCA-DN). Identifiers: Orphanet 314404, MedGen C4302668, MONDO:0011397, OMIM 604121.

Allele frequency attached by ClinVar (database versions not stated): gnomAD exomes 0.00014; ExAC 0.00020; TOPMed 0.00054; gnomAD 0.00058 and 0.00061; 1000 Genomes Project 0.00080; ESP Exome Variant Server 0.00108; 1000 Genomes Project 30x 0.00109.
gnomAD v4.1: 140 of 1,613,940 alleles (0.0087%); highest among the groups gnomAD compares: African/African-American, 0.18%; no homozygotes.

Submissions (4):

PreventionGenetics, part of Exact Sciences
Classification: Likely benign for DNMT1-related condition. Last evaluated: 2026-02-25. Review status: criteria provided, single submitter. Criteria: ACMG Guidelines, 2015. Collection method: clinical testing. Allele origin: germline.
Comment: This variant is classified as likely benign based on ACMG/AMP sequence variant interpretation guidelines (Richards et al. 2015 PMID: 25741868, with internal and published modifications).

Labcorp Genetics (formerly Invitae), Labcorp
Classification: Benign for Hereditary sensory neuropathy-deafness-dementia syndrome. Last evaluated: 2025-09-16. Review status: criteria provided, single submitter. Criteria: Invitae Variant Classification Sherloc (09022015). Collection method: clinical testing. Allele origin: germline.

Women's Health and Genetics/Laboratory Corporation of America, LabCorp
Classification: Benign. Last evaluated: 2025-04-02. Review status: criteria provided, single submitter. Criteria: LabCorp Variant Classification Summary - May 2015. Collection method: clinical testing. Allele origin: germline.

Fulgent Genetics
Classification: Likely benign for Autosomal dominant cerebellar ataxia, deafness and narcolepsy; Hereditary sensory neuropathy-deafness-dementia syndrome. Last evaluated: 2022-03-08. Review status: criteria provided, single submitter. Criteria: ACMG Guidelines, 2015. Collection method: clinical testing. Allele origin: unknown.

NM_001130823.3(DNMT1):c.4656+9G>A

Genes: DNMT1 (DNA methyltransferase 1; minus strand), LOC126862853 (CDK7 strongly-dependent group 2 enhancer GRCh37_chr19:10246117-10247316; plus strand). Cytogenetic location: 19p13.2.
Variant type: single nucleotide variant.
Coding change: c.4656+9G>A on transcript NM_001130823.3 (MANE Select); 9 bases into the intron after coding-DNA position 4656, G replaced by A.
Molecular consequence: intron variant.
Genome position (GRCh38, 1-based): chr19:10,136,112, C>T on the plus strand (G>A on the coding strand, the complement: DNMT1 is on the minus strand). VCF-style: chr19-10136112-C-T. GRCh37 (hg19) VCF-style: chr19-10246788-C-T.
Other names: c.4293+9G>A (NM_001318731.2); c.4608+9G>A (NM_001379.4); c.4617+9G>A (NM_001318730.2); c.4656+9G>A (NM_001130823.2).
Identifiers: ClinVar variation 703380 (VCV000703380.17), dbSNP rs367724672, ClinGen allele CA9187467.